The following is an entry in ClinVar:

NM_004004.6(GJB2):c.193T>C (p.Tyr65His)

Gene: GJB2 (gap junction protein beta 2; minus strand). Cytogenetic location: 13q12.11.
Variant type: single nucleotide variant.
Coding change: c.193T>C on transcript NM_004004.6 (MANE Select); coding-DNA position 193, T replaced by C.
Protein change: p.Tyr65His; replaces tyrosine 65 with histidine.
Molecular consequence: missense variant.
Genome position (GRCh38, 1-based): chr13:20,189,389, A>G on the plus strand (T>C on the coding strand, the complement: GJB2 is on the minus strand). VCF-style: chr13-20189389-A-G. GRCh37 (hg19) VCF-style: chr13-20763528-A-G.
Other names: short protein forms Y65H.
Identifiers: ClinVar variation 253134 (VCV000253134.11), dbSNP rs886037849, ClinGen allele CA10586212.

ClinVar aggregate classification (germline): Conflicting classifications of pathogenicity. Review status: criteria provided, conflicting classifications (1 of 4 stars). 4 submissions from 4 submitters: Likely pathogenic (1); Uncertain significance (2). 1 of the submissions does not count toward it. Last evaluated 2026-09-18.

Conditions:
Monogenic hearing loss.
Mutilating keratoderma (VOWNKL). Also called: Keratoderma hereditarium mutilans. Identifiers: Orphanet 494, MedGen C0265964, MONDO:0007422, OMIM 124500.

Submissions (4):

Genetics Laboratory, Great Ormond Street Hospital NHS Foundation Trust, North Thames Genomic Laboratory Hub
Classification: Uncertain significance for Monogenic hearing loss. Last evaluated: 2026-09-18. Review status: criteria provided, single submitter. Criteria: ACGS Best Practice Guidelines for Variant Classification in Rare Disease 2024 v1.2. Collection method: clinical testing. Allele origin: germline. Affected: yes.
Comment: PS4_supporting, PM2_moderate, PP3_supporting, PS3_supporting

GeneDx
Classification: Uncertain significance. Last evaluated: 2025-02-04. Review status: criteria provided, single submitter. Criteria: GeneDx Variant Classification Process June 2021. Collection method: clinical testing. Allele origin: germline. Affected: yes.
Comment: Not observed at significant frequency in large population cohorts (gnomAD); In silico analysis supports that this missense variant has a deleterious effect on protein structure/function; This variant is associated with the following publications: (PMID: 9336442, 36048236, 20854437)

ARUP Laboratories, Molecular Genetics and Genomics, ARUP Laboratories
Classification: Likely pathogenic. Last evaluated: 2018-09-21. Review status: criteria provided, single submitter. Criteria: ARUP Molecular Germline Variant Investigation Process. Collection method: clinical testing. Allele origin: germline.
Comment: The GJB2 c.193T>C; p.Tyr65His variant (rs111033203), is reported in the literature in at least one individual affected with severe Vohwinkel syndrome and congenital sensory hearing impairment (de Zwart-Storm 2011). This variant is reported in ClinVar (Variation ID: 253134), and is absent from general population databases (1000 Genomes Project, Exome Variant Server, and Genome Aggregation Database), indicating it is not a common polymorphism. The tyrosine at codon 65 is highly conserved, and computational analyses (SIFT, PolyPhen-2) predict that this variant is deleterious. Additionally, another variant at this codon (c.194A>G, p.Tyr65Cys) has been reported in at least one individual with sensorineural hearing loss (Tayoun 2016). Codon 65 is located in the first extracellular domain of the protein, in which variants associated with autosomal dominant syndromic or nonsyndromic hearing loss cluster (Iossa 2011). In vitro functional analyses demonstrate mislocalization of the p.Tyr65His variant protein and reduced cellular gap junction function (de Zwart-Storm 2011). Based on available information, the p.Tyr65His variant is considered to be likely pathogenic. References: de Zwart-Storm EA et al. A novel missense mutation in GJB2, p.Tyr65His, causes severe Vohwinkel syndrome. Br J Dermatol. 2011 Jan;164(1):197-9. Iossa S et al. GJB2 Gene Mutations in Syndromic Skin Diseases with Sensorineural Hearing Loss. Curr Genomics. 2011 Nov;12(7):475-785. Tayoun AN et al. Targeted Droplet-Digital PCR as a Tool for Novel Deletion Discovery at the DFNB1 Locus. Hum Mutat. 2016 Jan;37(1):119-26.

OMIM
Classification: Pathogenic for VOHWINKEL SYNDROME. Last evaluated: 1997-11-01. Review status: no assertion criteria provided. Collection method: literature only. Allele origin: germline. Not counted in ClinVar's aggregate classification.

Literature cited by the submitters: PubMed 9336442 (cited by OMIM).